The following is an entry in ClinVar:

NM_001370259.2(MEN1):c.586G>T (p.Val196Phe)

Gene: MEN1 (menin 1; minus strand). Cytogenetic location: 11q13.1.
Variant type: single nucleotide variant.
Coding change: c.586G>T on transcript NM_001370259.2 (MANE Select); coding-DNA position 586, G replaced by T.
Protein change: p.Val196Phe; replaces valine 196 with phenylalanine.
Molecular consequence: missense variant. On other transcripts: intron variant (2).
Genome position (GRCh38, 1-based): chr11:64,807,959, C>A on the plus strand (G>T on the coding strand, the complement: MEN1 is on the minus strand). VCF-style: chr11-64807959-C-A. GRCh37 (hg19) VCF-style: chr11-64575431-C-A.
Other names: c.601G>T, p.Val201Phe (NM_000244.4, NM_001407145.1, NM_001407150.1 and 5 more transcripts); c.586G>T, p.Val196Phe (NM_001370251.2, NM_001370260.2, NM_001370261.2 and 7 more transcripts); c.549+37G>T (NM_001370263.2, NM_001370262.2); short protein forms V196F, V201F.
Identifiers: ClinVar variation 1807136 (VCV001807136.3), dbSNP rs2136151708, ClinGen allele CA381185583.
Genomic context (GRCh38, chr11:64,807,959, plus strand): 5'-CCACACCGGCATTGACTGTCTGGCCCCTGCGGTCCTCGTTGCCCTTGCCGTGCCAGGTGA[C>A]CTCAGCTGTCTGCTCCCCATTGGGCCCAAACACTACCCAGGCATGATCCTCAGACAGGGC-3'
Protein context (NP_001357188.2, residues 186-206): FGPNGEQTAE[Val196Phe]TWHGKGNEDR

ClinVar aggregate classification (germline): Conflicting classifications of pathogenicity. Review status: criteria provided, conflicting classifications (1 of 4 stars). 2 submissions from 2 submitters: Likely pathogenic (1); Uncertain significance (1). Last evaluated 2024-07-16.

Conditions:
Hereditary cancer-predisposing syndrome. Also called: Neoplastic Syndromes, Hereditary; Hereditary neoplastic syndrome; Hereditary Cancer Syndrome; Tumor predisposition. Identifiers: Orphanet 140162, MedGen C0027672, MeSH D009386, MONDO:0015356.

Submissions (2):

Ambry Genetics
Classification: Likely pathogenic for Hereditary cancer-predisposing syndrome. Last evaluated: 2024-07-16. Review status: criteria provided, single submitter. Criteria: Ambry Variant Classification Scheme 2023. Collection method: clinical testing. Allele origin: germline.
Comment: The p.V196F variant (also known as c.586G>T), located in coding exon 2 of the MEN1 gene, results from a G to T substitution at nucleotide position 586. The valine at codon 196 is replaced by phenylalanine, an amino acid with highly similar properties. This variant has been observed in at least one individual with a personal and/or family history that is consistent with MEN1-associated disease (Ambry internal data). This amino acid position is highly conserved in available vertebrate species. In addition, this alteration is predicted to be deleterious by in silico analysis. This variant is considered to be rare based on population cohorts in the Genome Aggregation Database (gnomAD). Based on the majority of available evidence to date, this variant is likely to be pathogenic.

Athena Diagnostics
Classification: Uncertain significance. Last evaluated: 2023-09-11. Review status: criteria provided, single submitter. Criteria: Athena Diagnostics Criteria. Collection method: clinical testing. Allele origin: unknown.
Comment: Available data are insufficient to determine the clinical significance of the variant at this time. This variant has not been reported in large, multi-ethnic general populations. Computational tools predict that this variant is damaging.

Literature cited by the submitters: PubMed 20566584 (cited by Athena Diagnostics); PubMed 11550286 (cited by Athena Diagnostics).